The following is an entry in ClinVar:

NM_007194.4(CHEK2):c.364G>A (p.Glu122Lys)

Gene: CHEK2 (checkpoint kinase 2; minus strand). Cytogenetic location: 22q12.1.
Variant type: single nucleotide variant.
Coding change: c.364G>A on transcript NM_007194.4 (MANE Select); coding-DNA position 364, G replaced by A.
Protein change: p.Glu122Lys; replaces glutamic acid 122 with lysine.
Molecular consequence: missense variant.
Genome position (GRCh38, 1-based): chr22:28,725,323, C>T on the plus strand (G>A on the coding strand, the complement: CHEK2 is on the minus strand). VCF-style: chr22-28725323-C-T. GRCh37 (hg19) VCF-style: chr22-29121311-C-T.
Other names: c.493G>A, p.Glu165Lys (NM_001005735.3); c.-414G>A (NM_001257387.3); c.364G>A, p.Glu122Lys (NM_001349956.3, NM_145862.3); short protein forms E122K, E165K.
Identifiers: ClinVar variation 1733596 (VCV001733596.2), dbSNP rs2053963242, ClinGen allele CA411108142.

ClinVar aggregate classification (germline): Uncertain significance (1 of 4 stars; one submission).

Conditions:
Hereditary cancer-predisposing syndrome. Also called: Neoplastic Syndromes, Hereditary; Tumor predisposition; Hereditary Cancer Syndrome; Hereditary neoplastic syndrome. Identifiers: Orphanet 140162, MedGen C0027672, MeSH D009386, MONDO:0015356.

Submission:

Ambry Genetics
Classification: Uncertain significance for Hereditary cancer-predisposing syndrome. Last evaluated: 2021-10-14. Review status: criteria provided, single submitter. Criteria: Ambry Variant Classification Scheme 2023. Collection method: clinical testing. Allele origin: germline.
Comment: The p.E122K variant (also known as c.364G>A), located in coding exon 2 of the CHEK2 gene, results from a G to A substitution at nucleotide position 364. The glutamic acid at codon 122 is replaced by lysine, an amino acid with similar properties. This amino acid position is conserved. In addition, the in silico prediction for this alteration is inconclusive. Since supporting evidence is limited at this time, the clinical significance of this alteration remains unclear.